The following is an entry in ClinVar:

ClinVar aggregate classification (germline): Uncertain significance (1 of 4 stars; one submission).

Allele frequency attached by ClinVar (database versions not stated): TOPMed below 0.00001.
gnomAD v4.1: 2 of 1,613,880 alleles (0.00012%); highest among the groups gnomAD compares: Non-Finnish European, 0.00017%; no homozygotes.

Submission:

Labcorp Genetics (formerly Invitae), Labcorp
Classification: Uncertain significance. Last evaluated: 2023-10-12. Review status: criteria provided, single submitter. Criteria: Invitae Variant Classification Sherloc (09022015). Collection method: clinical testing. Allele origin: germline.
Comment: This sequence change replaces arginine, which is basic and polar, with cysteine, which is neutral and slightly polar, at codon 872 of the GRIN2D protein (p.Arg872Cys). This variant is not present in population databases (gnomAD no frequency). This variant has not been reported in the literature in individuals affected with GRIN2D-related conditions. Advanced modeling of protein sequence and biophysical properties (such as structural, functional, and spatial information, amino acid conservation, physicochemical variation, residue mobility, and thermodynamic stability) performed at Invitae indicates that this missense variant is not expected to disrupt GRIN2D protein function. In summary, the available evidence is currently insufficient to determine the role of this variant in disease. Therefore, it has been classified as a Variant of Uncertain Significance.

NM_000836.4(GRIN2D):c.2614C>T (p.Arg872Cys)

Gene: GRIN2D (glutamate ionotropic receptor NMDA type subunit 2D; plus strand). Cytogenetic location: 19q13.33.
Variant type: single nucleotide variant.
Coding change: c.2614C>T on transcript NM_000836.4 (MANE Select); coding-DNA position 2614, C replaced by T.
Protein change: p.Arg872Cys; replaces arginine 872 with cysteine.
Molecular consequence: missense variant.
Genome position (GRCh38, 1-based): chr19:48,442,323, C>T. VCF-style: chr19-48442323-C-T. GRCh37 (hg19) VCF-style: chr19-48945580-C-T.
Other names: short protein forms R872C.
Identifiers: ClinVar variation 3018099 (VCV003018099.3), dbSNP rs1253570959, ClinGen allele CA406670415.